The following is an entry in ClinVar:

ClinVar aggregate classification (germline): Uncertain significance (1 of 4 stars; one submission).

Conditions:
Peroxisome biogenesis disorder 12A (Zellweger). Also called: Peroxisome biogenesis disorder 12A. Identifiers: Orphanet 912, MedGen C3554002, MONDO:0013951, OMIM 614886.

Allele frequency attached by ClinVar (database versions not stated): gnomAD 0.00001.
gnomAD v4.1: 3 of 1,613,652 alleles (0.00019%); highest among the groups gnomAD compares: Non-Finnish European, 0.00025%; no homozygotes.

Submission:

Labcorp Genetics (formerly Invitae), Labcorp
Classification: Uncertain significance for Peroxisome biogenesis disorder 12A (Zellweger). Last evaluated: 2024-11-19. Review status: criteria provided, single submitter. Criteria: Invitae Variant Classification Sherloc (09022015). Collection method: clinical testing. Allele origin: germline.
Comment: This sequence change replaces glutamine, which is neutral and polar, with glutamic acid, which is acidic and polar, at codon 67 of the PEX19 protein (p.Gln67Glu). This variant is not present in population databases (gnomAD no frequency). This variant has not been reported in the literature in individuals affected with PEX19-related conditions. ClinVar contains an entry for this variant (Variation ID: 2139216). Invitae Evidence Modeling of protein sequence and biophysical properties (such as structural, functional, and spatial information, amino acid conservation, physicochemical variation, residue mobility, and thermodynamic stability) indicates that this missense variant is not expected to disrupt PEX19 protein function with a negative predictive value of 80%. In summary, the available evidence is currently insufficient to determine the role of this variant in disease. Therefore, it has been classified as a Variant of Uncertain Significance.

NM_002857.4(PEX19):c.199C>G (p.Gln67Glu)

Gene: PEX19 (peroxisomal biogenesis factor 19; minus strand). Cytogenetic location: 1q23.2.
Variant type: single nucleotide variant.
Coding change: c.199C>G on transcript NM_002857.4 (MANE Select); coding-DNA position 199, C replaced by G.
Protein change: p.Gln67Glu; replaces glutamine 67 with glutamic acid.
Molecular consequence: missense variant. On other transcripts: non-coding transcript variant (2).
Genome position (GRCh38, 1-based): chr1:160,283,091, G>C on the plus strand (C>G on the coding strand, the complement: PEX19 is on the minus strand). VCF-style: chr1-160283091-G-C. GRCh37 (hg19) VCF-style: chr1-160252881-G-C.
Other names: c.199C>G, p.Gln67Glu (NM_001193644.1); short protein forms Q67E.
Identifiers: ClinVar variation 2139216 (VCV002139216.2), dbSNP rs1657845463, ClinGen allele CA343263939.